The following is an entry in ClinVar:

NM_003640.5(ELP1):c.3535delinsTC (p.Gly1180fs)

Gene: ELP1 (elongator acetyltransferase complex subunit 1; minus strand). Cytogenetic location: 9q31.3.
Variant type: Indel.
Coding change: c.3535delinsTC on transcript NM_003640.5 (MANE Select); coding-DNA position 3535, A replaced by TC.
Protein change: p.Gly1180fs; shifts the reading frame from glycine 1180.
Molecular consequence: frameshift variant.
Genome position (GRCh38, 1-based): chr9:108,879,483, T replaced by GA on the plus strand (A replaced by TC on the coding strand, the reverse complement: ELP1 is on the minus strand). VCF-style: chr9-108879483-T-GA. GRCh37 (hg19) VCF-style: chr9-111641763-T-GA.
Other names: c.3193delinsTC, p.Gly1066fs (NM_001318360.2); c.2488delinsTC, p.Gly831fs (NM_001330749.2); short protein forms G1066fs, G1180fs, G831fs.
Identifiers: ClinVar variation 1725266 (VCV001725266.2), dbSNP rs2537857738, ClinGen allele CA2580079382.
Genomic context (GRCh38, chr9:108,879,483, plus strand): 5'-TGCTGAATCAATGTGATACGTACGCTGATATCCTGGAGTTACTATGGGAGTATTTGCCAC[T>GA]CATCTCACTGCCACTCACGACACTGCTAGTTTCAGAGAAGAGGTCTGACTCTTGCCCGTG-3'

ClinVar aggregate classification (germline): Likely pathogenic (1 of 4 stars; one submission).

Conditions:
Familial dysautonomia. Also called: HSAN III; FD. Identifiers: Orphanet 1764, MedGen C0013364, MONDO:0009131, OMIM 223900. Disease mechanism: loss of function.

Submission:

Myriad Genetics, Inc.
Classification: Likely pathogenic for Familial dysautonomia. Last evaluated: 2022-03-15. Review status: criteria provided, single submitter. Criteria: Myriad Women's Health Autosomal Recessive and X-Linked Classification Criteria (2021). Collection method: clinical testing. Allele origin: unknown.
Comment: NM_003640.3(ELP1):c.3535delAinsTC(G1180Wfs*6) is expected to be pathogenic in the context of familial dysautonomia. This variant is predicted to lead to an abnormal or absent protein product due to the creation of a premature termination codon in ELP1, a gene where loss-of-function variants are known to be pathogenic. Please note: this variant was assessed in the context of healthy population screening.